The following is an entry in ClinVar:

ClinVar aggregate classification (germline): Uncertain significance (1 of 4 stars; one submission).

gnomAD v4.1: 1 of 1,613,474 alleles (0.000062%); highest among the groups gnomAD compares: Non-Finnish European, 0.000085%; no homozygotes.

Submission:

GeneDx
Classification: Uncertain significance. Last evaluated: 2024-07-29. Review status: criteria provided, single submitter. Criteria: GeneDx Variant Classification Process June 2021. Collection method: clinical testing. Allele origin: germline. Affected: yes.
Comment: Not observed at significant frequency in large population cohorts (gnomAD); In silico analysis indicates that this missense variant does not alter protein structure/function; Has not been previously published as pathogenic or benign to our knowledge

NM_005257.6(GATA6):c.1598C>G (p.Thr533Arg)

Gene: GATA6 (GATA binding protein 6; plus strand). Cytogenetic location: 18q11.2.
Variant type: single nucleotide variant.
Coding change: c.1598C>G on transcript NM_005257.6 (MANE Select); coding-DNA position 1598, C replaced by G.
Protein change: p.Thr533Arg; replaces threonine 533 with arginine.
Molecular consequence: missense variant.
Genome position (GRCh38, 1-based): chr18:22,183,021, C>G. VCF-style: chr18-22183021-C-G. GRCh37 (hg19) VCF-style: chr18-19762982-C-G.
Other names: short protein forms T533R.
Identifiers: ClinVar variation 3602312 (VCV003602312.1).
Genomic context (GRCh38, chr18:22,183,021, plus strand): 5'-CCATGACTCCAACTTCCACCTCTTCTAACTCAGATGATTGCAGCAAAAATACTTCCCCCA[C>G]AACACAACCTACAGCCTCAGGGGTAAGTATTAAAACAGCATAGACTCCTAAATTACTGGG-3'
Protein context (NP_005248.2, residues 523-543): SDDCSKNTSP[Thr533Arg]TQPTASGAGA